The following is an entry in ClinVar:

NM_025074.7(FRAS1):c.2400C>T (p.Leu800=)

Gene: FRAS1 (Fraser extracellular matrix complex subunit 1; plus strand). Cytogenetic location: 4q21.21.
Variant type: single nucleotide variant.
Coding change: c.2400C>T on transcript NM_025074.7 (MANE Select); coding-DNA position 2400, C replaced by T.
Protein change: p.Leu800=; no amino-acid change (leucine 800 retained).
Molecular consequence: synonymous variant.
Genome position (GRCh38, 1-based): chr4:78,337,795, C>T. VCF-style: chr4-78337795-C-T. GRCh37 (hg19) VCF-style: chr4-79258949-C-T.
Other names: c.2400C>T, p.Leu800= (NM_001166133.2).
Identifiers: ClinVar variation 1923239 (VCV001923239.5), dbSNP rs766296005, ClinGen allele CA2976623.
Genomic context (GRCh38, chr4:78,337,795, plus strand): 5'-CCCTCACATCTCTCTTACCAATGGTAACTGCAGGACCAGCTGCAGGGAAGAGCAGTTCCT[C>T]AACCTCGTGGGATACTGTGCTGGTGAGTGAAACTCCTGTGGACTCCTCGGAAATCACTGG-3'
Protein context (NP_079350.5, residues 790-810): CRTSCREEQF[Leu800=]NLVGYCADCH

ClinVar aggregate classification (germline): Uncertain significance (1 of 4 stars; one submission).

Allele frequency attached by ClinVar (database versions not stated): gnomAD exomes below 0.00001; TOPMed below 0.00001; ExAC 0.00001; gnomAD 0.00001.
gnomAD v4.1: 8 of 1,613,828 alleles (0.0005%); highest among the groups gnomAD compares: Admixed American, 0.0067%; no homozygotes.

Submission:

Labcorp Genetics (formerly Invitae), Labcorp
Classification: Uncertain significance. Last evaluated: 2022-07-01. Review status: criteria provided, single submitter. Criteria: Invitae Variant Classification Sherloc (09022015). Collection method: clinical testing. Allele origin: germline.
Comment: Algorithms developed to predict the effect of sequence changes on RNA splicing suggest that this variant may disrupt the consensus splice site. In summary, the available evidence is currently insufficient to determine the role of this variant in disease. Therefore, it has been classified as a Variant of Uncertain Significance. This variant has not been reported in the literature in individuals affected with FRAS1-related conditions. This variant is present in population databases (rs766296005, gnomAD 0.009%). This sequence change affects codon 800 of the FRAS1 mRNA. It is a 'silent' change, meaning that it does not change the encoded amino acid sequence of the FRAS1 protein.